The following is an entry in ClinVar:

NM_004700.4(KCNQ4):c.28G>A (p.Gly10Ser)

Gene: KCNQ4 (potassium voltage-gated channel subfamily Q member 4; plus strand). Cytogenetic location: 1p34.2.
Variant type: single nucleotide variant.
Coding change: c.28G>A on transcript NM_004700.4 (MANE Select); coding-DNA position 28, G replaced by A.
Protein change: p.Gly10Ser; replaces glycine 10 with serine.
Molecular consequence: missense variant.
Genome position (GRCh38, 1-based): chr1:40,784,121, G>A. VCF-style: chr1-40784121-G-A. GRCh37 (hg19) VCF-style: chr1-41249793-G-A.
Other names: c.28G>A (NM_004700.3); c.28G>A, p.Gly10Ser (NM_172163.3); short protein forms G10S.
Identifiers: ClinVar variation 2033528 (VCV002033528.6), dbSNP rs1170668900, ClinGen allele CA339884859.
Genomic context (GRCh38, chr1:40,784,121, plus strand): 5'-CCGGGCCCCGGCGCCCCCAGCCCGGCGCCGCCCATGGCCGAGGCCCCCCCGCGCCGCCTC[G>A]GCCTGGGTCCCCCGCCCGGGGACGCCCCCCGCGCGGAGCTAGTGGCGCTCACGGCCGTGC-3'
Protein context (NP_004691.2, residues 1-20): MAEAPPRRL[Gly10Ser]LGPPPGDAPR

ClinVar aggregate classification (germline): Uncertain significance. Review status: criteria provided, multiple submitters, no conflicts (2 of 4 stars). 3 submissions from 3 submitters: Uncertain significance (3). Last evaluated 2025-07-31.

Conditions:
Inborn genetic diseases. Identifiers: MedGen C0950123, MeSH D030342.
Autosomal dominant nonsyndromic hearing loss 2A. Also called: Deafness, autosomal dominant 2A; Autosomal dominant nonsyndromic deafness 2A; DFNA2 Nonsyndromic Hearing Loss. Identifiers: Orphanet 90635, MedGen C2677637, MONDO:0010817, OMIM 600101.

Allele frequency attached by ClinVar (database versions not stated): gnomAD exomes below 0.00001; TOPMed 0.00001.

Submissions (3):

Labcorp Genetics (formerly Invitae), Labcorp
Classification: Uncertain significance. Last evaluated: 2025-07-31. Review status: criteria provided, single submitter. Criteria: Invitae Variant Classification Sherloc (09022015). Collection method: clinical testing. Allele origin: germline.
Comment: This sequence change replaces glycine, which is neutral and non-polar, with serine, which is neutral and polar, at codon 10 of the KCNQ4 protein (p.Gly10Ser). The frequency data for this variant in the population databases is considered unreliable, as metrics indicate insufficient coverage at this position in the gnomAD database. This variant has not been reported in the literature in individuals affected with KCNQ4-related conditions. ClinVar contains an entry for this variant (Variation ID: 2033528). Invitae Evidence Modeling of protein sequence and biophysical properties (such as structural, functional, and spatial information, amino acid conservation, physicochemical variation, residue mobility, and thermodynamic stability) indicates that this missense variant is not expected to disrupt KCNQ4 protein function with a negative predictive value of 95%. In summary, the available evidence is currently insufficient to determine the role of this variant in disease. Therefore, it has been classified as a Variant of Uncertain Significance.

Ambry Genetics
Classification: Uncertain significance for Inborn genetic diseases. Last evaluated: 2023-10-25. Review status: criteria provided, single submitter. Criteria: Ambry Variant Classification Scheme 2023. Collection method: clinical testing. Allele origin: germline.

Victorian Clinical Genetics Services, Murdoch Childrens Research Institute
Classification: Uncertain significance for Autosomal dominant nonsyndromic hearing loss 2A. Last evaluated: 2023-07-17. Review status: criteria provided, single submitter. Criteria: ACMG Guidelines, 2015. Collection method: clinical testing. Allele origin: germline. Inheritance: Autosomal dominant inheritance. Affected: yes.
Comment: Based on the classification scheme VCGS_Germline_v1.3.4, this variant is classified as VUS-3C. Following criteria are met: 0104 - Dominant negative is a known mechanism of disease in this gene and is associated with autosomal dominant deafness 2A (MIM#600101). The exact mechanism exerted by premature termination codons however remains unknown. Dominant negative is unlikely as these mutant proteins lack the C-terminal necessary for heteromultimer formation (PMID: 34622280). (I) 0107 - This gene is associated with autosomal dominant disease. (I) 0200 - Variant is predicted to result in a missense amino acid change from glycine to serine. (I) 0251 - This variant is heterozygous. (I) 0301 - Variant is absent from gnomAD (both v2 and v3). (SP) 0309 - Multiple alternative amino acid changes at the same position have been observed in gnomAD (highest allele count v2: 1 heterozygote, 0 homozygotes). (I) 0502 - Missense variant with conflicting in silico predictions and uninformative conservation. (I) 0604 - Variant is not located in an established domain, motif, hotspot or informative constraint region. (I) 0705 - No comparable missense variants have previous evidence for pathogenicity. (I) 0807 - This variant has no previous evidence of pathogenicity. (I) 0905 - No published segregation evidence has been identified for this variant. (I) 1007 - No published functional evidence has been identified for this variant. (I) 1208 - Inheritance information for this variant is not currently available in this individual. (I) Legend: (SP) - Supporting pathogenic, (I) - Information, (SB) - Supporting benign

Literature cited by the submitters: PubMed 34622280 (cited by Victorian Clinical Genetics Services, Murdoch Childrens Research Institute).